The following is an entry in ClinVar:

ClinVar aggregate classification (germline): Benign/Likely benign. Review status: criteria provided, multiple submitters, no conflicts (2 of 4 stars). 3 submissions from 3 submitters: Benign (1); Likely benign (1). 1 of the submissions does not count toward it. Last evaluated 2026-01-25.

Conditions:
IL7R-related disorder. Also called: IL7R-related condition.
Immunodeficiency 104. Also called: SCID, AUTOSOMAL RECESSIVE, T CELL-NEGATIVE, B CELL-POSITIVE, NK CELL-POSITIVE; Severe combined immunodeficiency, autosomal recessive, T cell-negative, B cell-positive, NK cell-positive; Severe Combined Immune Deficiency, Autosomal Recessive, TCell -Negative, B Cell-Positive, NK Cell-Positive, IL7R-Related; IMMUNODEFICIENCY 104, SEVERE COMBINED. Identifiers: MedGen C5676890, MONDO:0012163, OMIM 608971.

Allele frequency attached by ClinVar (database versions not stated): gnomAD exomes 0.00012 and 0.00034; ExAC 0.00038; gnomAD 0.00119 and 0.00130; ESP Exome Variant Server 0.00131; TOPMed 0.00133; 1000 Genomes Project 30x 0.00141; 1000 Genomes Project 0.00160.
gnomAD v4.1: 371 of 1,611,812 alleles (0.023%); highest among the groups gnomAD compares: African/African-American, 0.41%; 1 homozygote.

Submissions (3):

Labcorp Genetics (formerly Invitae), Labcorp
Classification: Benign for Immunodeficiency 104. Last evaluated: 2026-01-25. Review status: criteria provided, single submitter. Criteria: Invitae Variant Classification Sherloc (09022015). Collection method: clinical testing. Allele origin: germline.

Blueprint Genetics
Classification: Likely benign. Last evaluated: 2024-11-26. Review status: criteria provided, single submitter. Criteria: ACMG Guidelines, 2015. Collection method: clinical testing. Allele origin: germline.

PreventionGenetics, part of Exact Sciences
Classification: Likely benign for IL7R-related condition. Last evaluated: 2024-01-31. Review status: no assertion criteria provided. Collection method: clinical testing. Allele origin: germline. Not counted in ClinVar's aggregate classification.
Comment: This variant is classified as likely benign based on ACMG/AMP sequence variant interpretation guidelines (Richards et al. 2015 PMID: 25741868, with internal and published modifications).

NM_002185.5(IL7R):c.456A>C (p.Thr152=)

Gene: IL7R (interleukin 7 receptor; plus strand). Cytogenetic location: 5p13.2.
Variant type: single nucleotide variant.
Coding change: c.456A>C on transcript NM_002185.5 (MANE Select); coding-DNA position 456, A replaced by C.
Protein change: p.Thr152=; no amino-acid change (threonine 152 retained).
Molecular consequence: synonymous variant. On other transcripts: non-coding transcript variant (1).
Genome position (GRCh38, 1-based): chr5:35,871,132, A>C. VCF-style: chr5-35871132-A-C. GRCh37 (hg19) VCF-style: chr5-35871234-A-C.
Other names: c.456A>C (NM_002185.3).
Identifiers: ClinVar variation 1169691 (VCV001169691.12), dbSNP rs112805866, ClinGen allele CA3231977.